The following is an entry in ClinVar:

ClinVar aggregate classification (germline): Uncertain significance (1 of 4 stars; one submission).

Conditions:
Cardiovascular phenotype. Identifiers: MedGen CN230736.

Submission:

Ambry Genetics
Classification: Uncertain significance for Cardiovascular phenotype. Last evaluated: 2024-11-03. Review status: criteria provided, single submitter. Criteria: Ambry Variant Classification Scheme 2023. Collection method: clinical testing. Allele origin: germline.
Comment: The p.L71V variant (also known as c.211C>G), located in coding exon 1 of the BGN gene, results from a C to G substitution at nucleotide position 211. The leucine at codon 71 is replaced by valine, an amino acid with highly similar properties. This amino acid position is conserved. In addition, this alteration is predicted to be tolerated by in silico analysis. Based on the available evidence, the clinical significance of this variant remains unclear.

NM_001711.6(BGN):c.211C>G (p.Leu71Val)

Gene: BGN (biglycan; plus strand). Cytogenetic location: Xq28.
Variant type: single nucleotide variant.
Coding change: c.211C>G on transcript NM_001711.6 (MANE Select); coding-DNA position 211, C replaced by G.
Protein change: p.Leu71Val; replaces leucine 71 with valine.
Molecular consequence: missense variant.
Genome position (GRCh38, 1-based): chrX:153,504,842, C>G. VCF-style: chrX-153504842-C-G. GRCh37 (hg19) VCF-style: chrX-152770300-C-G.
Other names: short protein forms L71V.
Identifiers: ClinVar variation 3480536 (VCV003480536.1).